The following is an entry in ClinVar:

ClinVar aggregate classification (germline): Pathogenic (1 of 4 stars; one submission).

Conditions:
Bilateral congenital or childhood onset cataracts.

Submission:

North West Genomic Laboratory Hub, Manchester University NHS Foundation Trust
Classification: Pathogenic for Bilateral congenital or childhood onset cataracts. Last evaluated: 2025-10-08. Review status: criteria provided, single submitter. Criteria: ACGS Best Practice Guidelines for Variant Classification in Rare Disease 2024. Collection method: clinical testing. Allele origin: germline. Affected: yes.
Comment: PP4_Supp PM2_Mod PVS1_VStr

NM_001291867.2(NHS):c.344del (p.Ala115fs)

Gene: NHS (NHS actin remodeling regulator; plus strand). Cytogenetic location: Xp22.2.
Variant type: Deletion.
Coding change: c.344del on transcript NM_001291867.2 (MANE Select); coding-DNA position 344, one base deleted (C; older notation c.344delC).
Protein change: p.Ala115fs; shifts the reading frame from alanine 115.
Molecular consequence: frameshift variant.
Genome position (GRCh38, 1-based): chrX:17,376,101, C deleted. VCF-style (leftmost placement, unchanged base first): chrX-17376100-GC-G. GRCh37 (hg19) VCF-style: chrX-17394223-GC-G.
Other names: c.344del, p.Ala115fs (NM_198270.4); short protein forms A115fs.
Identifiers: ClinVar variation 4891527 (VCV004891527.1).